The following is an entry in ClinVar:

NM_198904.4(GABRG2):c.935T>A (p.Val312Asp)

Gene: GABRG2 (gamma-aminobutyric acid type A receptor subunit gamma2; plus strand). Cytogenetic location: 5q34.
Variant type: single nucleotide variant.
Coding change: c.935T>A on transcript NM_198904.4 (MANE Select); coding-DNA position 935, T replaced by A.
Protein change: p.Val312Asp; replaces valine 312 with aspartic acid.
Molecular consequence: missense variant. On other transcripts: intron variant (1).
Genome position (GRCh38, 1-based): chr5:162,149,120, T>A. VCF-style: chr5-162149120-T-A. GRCh37 (hg19) VCF-style: chr5-161576126-T-A.
Other names: c.935T>A, p.Val312Asp (NM_000816.3); c.926T>A, p.Val309Asp (NM_001375339.1); c.932T>A, p.Val311Asp (NM_001375341.1, NM_001375342.1); c.1055T>A, p.Val352Asp (NM_001375343.1, NM_198903.2); c.974T>A, p.Val325Asp (NM_001375344.1); c.869T>A, p.Val290Asp (NM_001375345.1, NM_001375346.1); c.848T>A, p.Val283Asp (NM_001375347.1); c.515T>A, p.Val172Asp (NM_001375348.1, NM_001375350.1); and 2 more; short protein forms V172D, V290D, V311D, V352D, V217D, V283D, V312D, V309D.
Identifiers: ClinVar variation 2947119 (VCV002947119.4), dbSNP rs2532755838, ClinGen allele CA362182320.

ClinVar aggregate classification (germline): Uncertain significance. Review status: criteria provided, multiple submitters, no conflicts (2 of 4 stars). 2 submissions from 2 submitters: Uncertain significance (2). Last evaluated 2023-11-11.

Conditions:
EPILEPSY, CHILDHOOD ABSENCE, SUSCEPTIBILITY TO, 2 (ECA2). Identifiers: Orphanet 64280, MedGen C1843244, OMIM 607681.
Febrile seizures, familial, 8 (FEB8). Also called: CONVULSIONS, FAMILIAL FEBRILE, 8. Identifiers: Orphanet 36387, MedGen C1969810, MONDO:0011891, OMIM 607681.

Submissions (2):

GeneDx
Classification: Uncertain significance. Last evaluated: 2023-11-11. Review status: criteria provided, single submitter. Criteria: GeneDx Variant Classification Process June 2021. Collection method: clinical testing. Allele origin: germline. Affected: yes.
Comment: Not observed at significant frequency in large population cohorts (gnomAD); In silico analysis supports that this missense variant has a deleterious effect on protein structure/function; Has not been previously published as pathogenic or benign to our knowledge

Labcorp Genetics (formerly Invitae), Labcorp
Classification: Uncertain significance for Febrile seizures, familial, 8; EPILEPSY, CHILDHOOD ABSENCE, SUSCEPTIBILITY TO, 2. Last evaluated: 2023-04-25. Review status: criteria provided, single submitter. Criteria: Invitae Variant Classification Sherloc (09022015). Collection method: clinical testing. Allele origin: germline.
Comment: In summary, the available evidence is currently insufficient to determine the role of this variant in disease. Therefore, it has been classified as a Variant of Uncertain Significance. Advanced modeling of protein sequence and biophysical properties (such as structural, functional, and spatial information, amino acid conservation, physicochemical variation, residue mobility, and thermodynamic stability) performed at Invitae indicates that this missense variant is expected to disrupt GABRG2 protein function. This variant has not been reported in the literature in individuals affected with GABRG2-related conditions. This variant is not present in population databases (gnomAD no frequency). This sequence change replaces valine, which is neutral and non-polar, with aspartic acid, which is acidic and polar, at codon 312 of the GABRG2 protein (p.Val312Asp).